The following is an entry in ClinVar:

ClinVar aggregate classification (germline): Uncertain significance (0 of 4 stars; one submission).

Conditions:
CREBBP-related disorder. Also called: CREBBP-related condition; CREBBP-related disorders.

Allele frequency attached by ClinVar (database versions not stated): gnomAD exomes below 0.00001; TOPMed below 0.00001; gnomAD 0.00001.
gnomAD v4.1: 3 of 1,613,310 alleles (0.00019%); highest among the groups gnomAD compares: Non-Finnish European, 0.00025%; no homozygotes.

Submission:

PreventionGenetics, part of Exact Sciences
Classification: Uncertain significance for CREBBP-related condition. Last evaluated: 2024-01-25. Review status: no assertion criteria provided. Collection method: clinical testing. Allele origin: germline.
Comment: The CREBBP c.1003G>A variant is predicted to result in the amino acid substitution p.Val335Ile. This variant occurs in exon 4 of 31. To our knowledge, this variant has not been reported in the literature. This variant is observed in 3 out of ~985,000 alleles in the gnomAD v4 dataset. Although we suspect that this variant may be pathogenic, at this time, the clinical significance of this variant is uncertain due to the absence of conclusive functional and genetic evidence.

NM_004380.3(CREBBP):c.1003G>A (p.Val335Ile)

Gene: CREBBP (CREB binding lysine acetyltransferase; minus strand). Cytogenetic location: 16p13.3.
Variant type: single nucleotide variant.
Coding change: c.1003G>A on transcript NM_004380.3 (MANE Select); coding-DNA position 1003, G replaced by A.
Protein change: p.Val335Ile; replaces valine 335 with isoleucine.
Molecular consequence: missense variant.
Genome position (GRCh38, 1-based): chr16:3,793,599, C>T on the plus strand (G>A on the coding strand, the complement: CREBBP is on the minus strand). VCF-style: chr16-3793599-C-T. GRCh37 (hg19) VCF-style: chr16-3843600-C-T.
Other names: c.1003G>A, p.Val335Ile (NM_001079846.1); short protein forms V335I.
Identifiers: ClinVar variation 3032829 (VCV003032829.2), dbSNP rs2053548710, ClinGen allele CA394563825.
Genomic context (GRCh38, chr16:3,793,599, plus strand): 5'-GTATCAGTTTGCGTTTTTCAGGATCTGCAGTGGGGCCTGTTGCAATTGCTTGTGTGGGTA[C>T]AATTCCCACTGATGTTTGCATCTGAGACTAAAATAAAGCAAAATAATAAAAATACTTTAA-3'
Protein context (NP_004371.2, residues 325-345): MSQMQTSVGI[Val335Ile]PTQAIATGPT